The following is an entry in ClinVar:

ClinVar aggregate classification (germline): Uncertain significance. Review status: criteria provided, multiple submitters, no conflicts (2 of 4 stars). 2 submissions from 2 submitters: Uncertain significance (2). Last evaluated 2026-03-31.

Conditions:
Hereditary cancer-predisposing syndrome. Also called: Tumor predisposition; Hereditary Cancer Syndrome; Neoplastic Syndromes, Hereditary; Hereditary neoplastic syndrome. Identifiers: Orphanet 140162, MedGen C0027672, MeSH D009386, MONDO:0015356.

Submissions (2):

Ambry Genetics
Classification: Uncertain significance for Hereditary cancer-predisposing syndrome. Last evaluated: 2026-03-31. Review status: criteria provided, single submitter. Criteria: Ambry Variant Classification Scheme 2023. Collection method: clinical testing. Allele origin: germline.
Comment: The c.684-3delT intronic variant, located in intron 4 of the CHEK2 gene, results from a deletion of one nucleotide within intron 4 of the CHEK2 gene. This nucleotide position is well conserved in available vertebrate species. In silico splice site analysis predicts that this alteration will not have any significant effect on splicing. Based on the available evidence, the clinical significance of this variant remains unclear.

Quest Diagnostics Nichols Institute San Juan Capistrano
Classification: Uncertain significance. Last evaluated: 2018-03-06. Review status: criteria provided, single submitter. Criteria: Quest Diagnostics criteria. Collection method: clinical testing. Allele origin: germline.

NM_007194.4(CHEK2):c.684-3del

Gene: CHEK2 (checkpoint kinase 2; minus strand). Cytogenetic location: 22q12.1.
Variant type: Deletion.
Coding change: c.684-3del on transcript NM_007194.4 (MANE Select); 3 bases into the intron before coding-DNA position 684, one base deleted (T; older notation c.684-3delT).
Molecular consequence: intron variant.
Genome position (GRCh38, 1-based): chr22:28,712,020, A deleted on the plus strand (T on the coding strand, the reverse complement: CHEK2 is on the minus strand). VCF-style (leftmost placement, unchanged base first): chr22-28712019-TA-T. GRCh37 (hg19) VCF-style: chr22-29108007-TA-T.
Other names: c.21-3del (NM_001257387.3, NM_001437942.1); c.777-3del (NM_001438295.1, NM_001438293.1); c.813-3del (NM_001438294.1, NM_001005735.3); c.483-3del (NM_001349956.3); c.684-3del (NM_145862.3); c.684-3delT (NM_007194.3).
Identifiers: ClinVar variation 619677 (VCV000619677.3), dbSNP rs1569141052, ClinGen allele CA913190321.
Genomic context (GRCh38, chr22:28,712,019, plus strand): 5'-TGGCTACTTTCTTACATGTTTTCCTCTCGAAAGCCAGCTTTACCTCTCCACAGGCACCAC[TA>T]GAGGGAAAAACAAAGATAGTGATTGTCTGAATGTTTTTAATTATGAGACCTACCACTCCT-3'